The following is an entry in ClinVar:

NM_004208.4(AIFM1):c.370C>A (p.Pro124Thr)

Genes: AIFM1 (apoptosis inducing factor mitochondria associated 1; minus strand), RAB33A (RAB33A, member RAS oncogene family; plus strand). Cytogenetic location: Xq26.1.
Variant type: single nucleotide variant.
Coding change: c.370C>A on transcript NM_004208.4 (MANE Select); coding-DNA position 370, C replaced by A.
Protein change: p.Pro124Thr; replaces proline 124 with threonine.
Molecular consequence: missense variant. On other transcripts: non-coding transcript variant (1).
Genome position (GRCh38, 1-based): chrX:130,147,856, G>T on the plus strand (C>A on the coding strand, the complement: AIFM1 is on the minus strand). VCF-style: chrX-130147856-G-T. GRCh37 (hg19) VCF-style: chrX-129281831-G-T.
Other names: c.370C>A, p.Pro124Thr (NM_001130847.4); c.358C>A, p.Pro120Thr (NM_145812.3); short protein forms P120T, P124T.
Identifiers: ClinVar variation 947693 (VCV000947693.9), dbSNP rs751325295, ClinGen allele CA10515459.

ClinVar aggregate classification (germline): Uncertain significance (1 of 4 stars; one submission).

Conditions:
Charcot-Marie-Tooth Neuropathy X. Identifiers: MedGen CN118851.
Combined oxidative phosphorylation deficiency. Identifiers: MedGen C4540031, MONDO:0000732.

Allele frequency attached by ClinVar (database versions not stated): ExAC 0.00002; gnomAD exomes 0.00002.
gnomAD v4.1: 5 of 1,211,572 alleles (0.00041%); highest among the groups gnomAD compares: Non-Finnish European, 0.00056%; no homozygotes.

Submission:

Labcorp Genetics (formerly Invitae), Labcorp
Classification: Uncertain significance for Charcot-Marie-Tooth Neuropathy X; Combined oxidative phosphorylation deficiency. Last evaluated: 2023-11-05. Review status: criteria provided, single submitter. Criteria: Invitae Variant Classification Sherloc (09022015). Collection method: clinical testing. Allele origin: germline.
Comment: This sequence change replaces proline, which is neutral and non-polar, with threonine, which is neutral and polar, at codon 124 of the AIFM1 protein (p.Pro124Thr). This variant is present in population databases (rs751325295, gnomAD 0.005%), including at least one homozygous and/or hemizygous individual. This variant has not been reported in the literature in individuals affected with AIFM1-related conditions. ClinVar contains an entry for this variant (Variation ID: 947693). Advanced modeling of protein sequence and biophysical properties (such as structural, functional, and spatial information, amino acid conservation, physicochemical variation, residue mobility, and thermodynamic stability) performed at Invitae indicates that this missense variant is not expected to disrupt AIFM1 protein function with a negative predictive value of 80%. In summary, the available evidence is currently insufficient to determine the role of this variant in disease. Therefore, it has been classified as a Variant of Uncertain Significance.